The following is an entry in ClinVar:

NM_144736.5(NDUFAF7):c.418C>G (p.Gln140Glu)

Gene: NDUFAF7 (NADH:ubiquinone oxidoreductase complex assembly factor 7; plus strand). Cytogenetic location: 2p22.2.
Variant type: single nucleotide variant.
Coding change: c.418C>G on transcript NM_144736.5 (MANE Select); coding-DNA position 418, C replaced by G.
Protein change: p.Gln140Glu; replaces glutamine 140 with glutamic acid.
Molecular consequence: missense variant. On other transcripts: non-coding transcript variant (10).
Genome position (GRCh38, 1-based): chr2:37,241,587, C>G. VCF-style: chr2-37241587-C-G. GRCh37 (hg19) VCF-style: chr2-37468730-C-G.
Other names: c.337C>G, p.Gln113Glu (NM_001083946.2, NM_001350025.2); c.418C>G, p.Gln140Glu (NM_001350024.2, NM_001350027.2); short protein forms Q113E, Q140E.
Identifiers: ClinVar variation 2026955 (VCV002026955.4), dbSNP rs777881208, ClinGen allele CA1617159.

ClinVar aggregate classification (germline): Uncertain significance (1 of 4 stars; one submission).

Allele frequency attached by ClinVar (database versions not stated): gnomAD 0.00001; gnomAD exomes 0.00001; TOPMed 0.00001; ExAC 0.00002.

Submission:

Labcorp Genetics (formerly Invitae), Labcorp
Classification: Uncertain significance. Last evaluated: 2022-03-18. Review status: criteria provided, single submitter. Criteria: Invitae Variant Classification Sherloc (09022015). Collection method: clinical testing. Allele origin: germline.
Comment: Algorithms developed to predict the effect of missense changes on protein structure and function (SIFT, PolyPhen-2, Align-GVGD) all suggest that this variant is likely to be tolerated. This sequence change replaces glutamine, which is neutral and polar, with glutamic acid, which is acidic and polar, at codon 113 of the NDUFAF7 protein (p.Gln113Glu). This variant is present in population databases (rs777881208, gnomAD 0.01%). This variant has not been reported in the literature in individuals affected with NDUFAF7-related conditions. In summary, the available evidence is currently insufficient to determine the role of this variant in disease. Therefore, it has been classified as a Variant of Uncertain Significance.